The following is an entry in ClinVar:

ClinVar aggregate classification (germline): Uncertain significance (1 of 4 stars; one submission).

Conditions:
Ehlers-Danlos syndrome, type 4 (EDSVASC). Also called: Ehlers-Danlos syndrome vascular type; Ehlers Danlos syndrome, ecchymotic type; Ehlers Danlos syndrome, arterial type; Ehlers Danlos syndrome, Sack-Barabas type; Ehlers-Danlos Syndrome Type IV. Identifiers: Orphanet 286, MedGen C0268338, MONDO:0017314, OMIM 130050.

Submission:

Labcorp Genetics (formerly Invitae), Labcorp
Classification: Uncertain significance for Ehlers-Danlos syndrome, type 4. Last evaluated: 2025-03-20. Review status: criteria provided, single submitter. Criteria: Invitae Variant Classification Sherloc (09022015). Collection method: clinical testing. Allele origin: germline.
Comment: This sequence change replaces isoleucine, which is neutral and non-polar, with serine, which is neutral and polar, at codon 250 of the COL3A1 protein (p.Ile250Ser). This variant is not present in population databases (gnomAD no frequency). This variant has not been reported in the literature in individuals affected with COL3A1-related conditions. Invitae Evidence Modeling of protein sequence and biophysical properties (such as structural, functional, and spatial information, amino acid conservation, physicochemical variation, residue mobility, and thermodynamic stability) indicates that this missense variant is not expected to disrupt COL3A1 protein function with a negative predictive value of 95%. In summary, the available evidence is currently insufficient to determine the role of this variant in disease. Therefore, it has been classified as a Variant of Uncertain Significance.

NM_000090.4(COL3A1):c.749T>G (p.Ile250Ser)

Gene: COL3A1 (collagen type III alpha 1 chain; plus strand). Cytogenetic location: 2q32.2.
Variant type: single nucleotide variant.
Coding change: c.749T>G on transcript NM_000090.4 (MANE Select); coding-DNA position 749, T replaced by G.
Protein change: p.Ile250Ser; replaces isoleucine 250 with serine.
Molecular consequence: missense variant.
Genome position (GRCh38, 1-based): chr2:188,990,311, T>G. VCF-style: chr2-188990311-T-G. GRCh37 (hg19) VCF-style: chr2-189855037-T-G.
Other names: short protein forms I250S.
Identifiers: ClinVar variation 4800316 (VCV004800316.1).